The following is an entry in ClinVar:

NM_001735.3(C5):c.2782C>T (p.Arg928Ter)

Gene: C5 (complement C5; minus strand). Cytogenetic location: 9q33.2.
Variant type: single nucleotide variant.
Coding change: c.2782C>T on transcript NM_001735.3 (MANE Select); coding-DNA position 2782, C replaced by T.
Protein change: p.Arg928Ter; replaces arginine 928 with a stop codon.
Molecular consequence: nonsense.
Genome position (GRCh38, 1-based): chr9:120,997,555, G>A on the plus strand (C>T on the coding strand, the complement: C5 is on the minus strand). VCF-style: chr9-120997555-G-A. GRCh37 (hg19) VCF-style: chr9-123759833-G-A.
Other names: c.2800C>T, p.Arg934Ter (NM_001317163.2); short protein forms R928*, R934*.
Identifiers: ClinVar variation 2414298 (VCV002414298.6), dbSNP rs1459689539, ClinGen allele CA374736542.

ClinVar aggregate classification (germline): Pathogenic (1 of 4 stars; one submission).

Allele frequency attached by ClinVar (database versions not stated): gnomAD exomes 0.00002; TOPMed 0.00002.
gnomAD v4.1: 29 of 1,610,264 alleles (0.0018%); highest among the groups gnomAD compares: Admixed American, 0.005%; no homozygotes.

Submission:

Labcorp Genetics (formerly Invitae), Labcorp
Classification: Pathogenic. Last evaluated: 2026-01-12. Review status: criteria provided, single submitter. Criteria: Invitae Variant Classification Sherloc (09022015). Collection method: clinical testing. Allele origin: germline.
Comment: This sequence change creates a premature translational stop signal (p.Arg928*) in the C5 gene. It is expected to result in an absent or disrupted protein product. Loss-of-function variants in C5 are known to be pathogenic (PMID: 7730648, 19414197, 27026170). This variant is present in population databases (no rsID available, gnomAD 0.009%). This variant has not been reported in the literature in individuals affected with C5-related conditions. ClinVar contains an entry for this variant (Variation ID: 2414298). For these reasons, this variant has been classified as Pathogenic.

Literature cited by the submitters: PubMed 7730648; PubMed 19414197; PubMed 27026170.